The following is an entry in ClinVar:

ClinVar aggregate classification (germline): Uncertain significance (1 of 4 stars; one submission).

Submission:

Labcorp Genetics (formerly Invitae), Labcorp
Classification: Uncertain significance. Last evaluated: 2022-01-13. Review status: criteria provided, single submitter. Criteria: Invitae Variant Classification Sherloc (09022015). Collection method: clinical testing. Allele origin: germline.
Comment: This variant has not been reported in the literature in individuals affected with ARSG-related conditions. This variant is not present in population databases (gnomAD no frequency). This sequence change replaces leucine, which is neutral and non-polar, with proline, which is neutral and non-polar, at codon 448 of the ARSG protein (p.Leu448Pro). ClinVar contains an entry for this variant (Variation ID: 966915). In summary, the available evidence is currently insufficient to determine the role of this variant in disease. Therefore, it has been classified as a Variant of Uncertain Significance. Algorithms developed to predict the effect of missense changes on protein structure and function (SIFT, PolyPhen-2, Align-GVGD) all suggest that this variant is likely to be tolerated.

NM_001267727.2(ARSG):c.1343T>C (p.Leu448Pro)

Genes: ARSG (arylsulfatase G; plus strand), PRKAR1A (protein kinase cAMP-dependent type I regulatory subunit alpha; plus strand). Cytogenetic location: 17q24.2.
Variant type: single nucleotide variant.
Coding change: c.1343T>C on transcript NM_001267727.2 (MANE Select); coding-DNA position 1343, T replaced by C.
Protein change: p.Leu448Pro; replaces leucine 448 with proline.
Molecular consequence: missense variant. On other transcripts: intron variant (3).
Genome position (GRCh38, 1-based): chr17:68,420,228, T>C. VCF-style: chr17-68420228-T-C. GRCh37 (hg19) VCF-style: chr17-66416369-T-C.
Other names: c.1343T>C, p.Leu448Pro (NM_001352899.2, NM_001352900.2, NM_001352901.2 and 2 more transcripts); c.1340T>C, p.Leu447Pro (NM_001352903.2, NM_001352904.2, NM_001352905.2 and 2 more transcripts); c.1303+18778T>C (NM_001352910.2); c.1255+18778T>C (NM_001352909.2); c.-7+6433T>C (NM_001278433.2); short protein forms L447P, L448P.
Identifiers: ClinVar variation 966915 (VCV000966915.10), dbSNP rs2082686036, ClinGen allele CA400748906.